The following is an entry in ClinVar:

ClinVar aggregate classification (germline): Uncertain significance (1 of 4 stars; one submission).

Conditions:
Ullrich congenital muscular dystrophy 2 (UCMD2). Identifiers: Orphanet 75840, MedGen C4225314, MONDO:0014654, OMIM 616470.
Bethlem myopathy 2 (BTHLM2). Identifiers: Orphanet 536516, Orphanet 610, MedGen C4225313, MONDO:0034022, OMIM 616471.

Allele frequency attached by ClinVar (database versions not stated): gnomAD 0.00002; TOPMed below 0.00001.
gnomAD v4.1: 11 of 1,613,614 alleles (0.00068%); highest among the groups gnomAD compares: East Asian, 0.0022%; no homozygotes.

Submission:

Labcorp Genetics (formerly Invitae), Labcorp
Classification: Uncertain significance for Bethlem myopathy 2; Ullrich congenital muscular dystrophy 2. Last evaluated: 2025-03-13. Review status: criteria provided, single submitter. Criteria: Invitae Variant Classification Sherloc (09022015). Collection method: clinical testing. Allele origin: germline.
Comment: This sequence change replaces alanine, which is neutral and non-polar, with valine, which is neutral and non-polar, at codon 1255 of the COL12A1 protein (p.Ala1255Val). This variant is present in population databases (no rsID available, gnomAD 0.0008%). This variant has not been reported in the literature in individuals affected with COL12A1-related conditions. ClinVar contains an entry for this variant (Variation ID: 2923913). Invitae Evidence Modeling of protein sequence and biophysical properties (such as structural, functional, and spatial information, amino acid conservation, physicochemical variation, residue mobility, and thermodynamic stability) indicates that this missense variant is not expected to disrupt COL12A1 protein function with a negative predictive value of 80%. In summary, the available evidence is currently insufficient to determine the role of this variant in disease. Therefore, it has been classified as a Variant of Uncertain Significance.

NM_004370.6(COL12A1):c.3764C>T (p.Ala1255Val)

Gene: COL12A1 (collagen type XII alpha 1 chain; minus strand). Cytogenetic location: 6q13.
Variant type: single nucleotide variant.
Coding change: c.3764C>T on transcript NM_004370.6 (MANE Select); coding-DNA position 3764, C replaced by T.
Protein change: p.Ala1255Val; replaces alanine 1255 with valine.
Molecular consequence: missense variant.
Genome position (GRCh38, 1-based): chr6:75,152,202, G>A on the plus strand (C>T on the coding strand, the complement: COL12A1 is on the minus strand). VCF-style: chr6-75152202-G-A. GRCh37 (hg19) VCF-style: chr6-75861918-G-A.
Other names: c.3764C>T, p.Ala1255Val (NM_001424113.1, NM_001424114.1); c.3491C>T, p.Ala1164Val (NM_001424115.1); c.272C>T, p.Ala91Val (NM_001424116.1, NM_080645.3); short protein forms A1164V, A1255V, A91V.
Identifiers: ClinVar variation 2923913 (VCV002923913.3), dbSNP rs1473988545, ClinGen allele CA364749418.
Genomic context (GRCh38, chr6:75,152,202, plus strand): 5'-TTGCCTCCTTTGTACGGCAAGTTTGCCACAGCTTGCAACAAGCTCTTCTTGTCTCTGTGT[G>A]CATTTAACTGCCACTCTGTTCTGGGATCCCCACTATACTGAGCAAGAGCTAAAATGACAC-3'
Protein context (NP_004361.3, residues 1245-1265): GDPRTEWQLN[Ala1255Val]HRDKKSLLQA